The following is an entry in ClinVar:

ClinVar aggregate classification (germline): Likely benign. Review status: criteria provided, multiple submitters, no conflicts (2 of 4 stars). 4 submissions from 4 submitters: Likely benign (4). Last evaluated 2025-07-02.

Conditions:
Hereditary cancer-predisposing syndrome. Also called: Hereditary neoplastic syndrome; Neoplastic Syndromes, Hereditary; Hereditary Cancer Syndrome; Tumor predisposition. Identifiers: Orphanet 140162, MedGen C0027672, MeSH D009386, MONDO:0015356.

Allele frequency attached by ClinVar (database versions not stated): gnomAD exomes below 0.00001 and 0.00001; ExAC 0.00002; gnomAD 0.00005; TOPMed 0.00006.
gnomAD v4.1: 12 of 1,610,738 alleles (0.00075%); highest among the groups gnomAD compares: African/African-American, 0.015%; no homozygotes.

Submissions (4):

Labcorp Genetics (formerly Invitae), Labcorp
Classification: Likely benign. Last evaluated: 2025-07-02. Review status: criteria provided, single submitter. Criteria: Invitae Variant Classification Sherloc (09022015). Collection method: clinical testing. Allele origin: germline.

Blueprint Genetics
Classification: Likely benign. Last evaluated: 2022-05-11. Review status: criteria provided, single submitter. Criteria: ACMG Guidelines, 2015. Collection method: clinical testing. Allele origin: germline.

GeneDx
Classification: Likely benign. Last evaluated: 2017-10-06. Review status: criteria provided, single submitter. Criteria: GeneDx Variant Classification (06012015). Collection method: clinical testing. Allele origin: germline. Affected: yes.
Comment: This variant is considered likely benign or benign based on one or more of the following criteria: it is a conservative change, it occurs at a poorly conserved position in the protein, it is predicted to be benign by multiple in silico algorithms, and/or has population frequency not consistent with disease.

Ambry Genetics
Classification: Likely benign for Hereditary cancer-predisposing syndrome. Last evaluated: 2016-03-09. Review status: criteria provided, single submitter. Criteria: Ambry Variant Classification Scheme 2023. Collection method: clinical testing. Allele origin: germline.

NM_006231.4(POLE):c.5085T>C (p.Gly1695=)

Gene: POLE (DNA polymerase epsilon, catalytic subunit; minus strand). Cytogenetic location: 12q24.33.
Variant type: single nucleotide variant.
Coding change: c.5085T>C on transcript NM_006231.4 (MANE Select); coding-DNA position 5085, T replaced by C.
Protein change: p.Gly1695=; no amino-acid change (glycine 1695 retained).
Molecular consequence: synonymous variant.
Genome position (GRCh38, 1-based): chr12:132,642,265, A>G on the plus strand (T>C on the coding strand, the complement: POLE is on the minus strand). VCF-style: chr12-132642265-A-G. GRCh37 (hg19) VCF-style: chr12-133218851-A-G.
Identifiers: ClinVar variation 473708 (VCV000473708.17), dbSNP rs755191548, ClinGen allele CA6892629.
Genomic context (GRCh38, chr12:132,642,265, plus strand): 5'-CTCAACAGTGGCTTGGTCATCGAACTCCATGACAAGACAGTTGTCATCAGCCTCCTTTCC[A>G]CCCAGGTCAGGGCGGGCTGTAGGGGACAGCCAGAGCAGGTGGTTGTGGCGCTGGAGGTGG-3'
Protein context (NP_006222.2, residues 1685-1705): WLSPTARPDL[Gly1695=]GKEADDNCLV